The following is an entry in ClinVar:

ClinVar aggregate classification (germline): Uncertain significance. Review status: criteria provided, multiple submitters, no conflicts (2 of 4 stars). 2 submissions from 2 submitters: Uncertain significance (2). Last evaluated 2022-08-20.

Conditions:
Charcot-Marie-Tooth disease type 2. Also called: Charcot-Marie-Tooth type 2. Identifiers: Orphanet 64746, MedGen C0270914, MONDO:0018993.
Inborn genetic diseases. Identifiers: MedGen C0950123, MeSH D030342.

Allele frequency attached by ClinVar (database versions not stated): gnomAD 0.00001 and 0.00002; gnomAD exomes 0.00002 and 0.00005; TOPMed 0.00002; 1000 Genomes Project 30x 0.00016; ExAC 0.00004; 1000 Genomes Project 0.00020.
gnomAD v4.1: 76 of 1,610,078 alleles (0.0047%); highest among the groups gnomAD compares: Non-Finnish European, 0.0062%; no homozygotes.

Submissions (2):

Labcorp Genetics (formerly Invitae), Labcorp
Classification: Uncertain significance for Charcot-Marie-Tooth disease type 2. Last evaluated: 2022-08-20. Review status: criteria provided, single submitter. Criteria: Invitae Variant Classification Sherloc (09022015). Collection method: clinical testing. Allele origin: germline.
Comment: This sequence change replaces arginine, which is basic and polar, with tryptophan, which is neutral and slightly polar, at codon 192 of the MED25 protein (p.Arg192Trp). This variant is present in population databases (rs201157765, gnomAD 0.004%). This variant has not been reported in the literature in individuals affected with MED25-related conditions. ClinVar contains an entry for this variant (Variation ID: 839297). Algorithms developed to predict the effect of missense changes on protein structure and function are either unavailable or do not agree on the potential impact of this missense change (SIFT: "Deleterious"; PolyPhen-2: "Probably Damaging"; Align-GVGD: "Class C0"). In summary, the available evidence is currently insufficient to determine the role of this variant in disease. Therefore, it has been classified as a Variant of Uncertain Significance.

Ambry Genetics
Classification: Uncertain significance for Inborn genetic diseases. Last evaluated: 2021-09-28. Review status: criteria provided, single submitter. Criteria: Ambry Variant Classification Scheme 2023. Collection method: clinical testing. Allele origin: germline.

NM_030973.4(MED25):c.574C>T (p.Arg192Trp)

Gene: MED25 (mediator complex subunit 25; plus strand). Cytogenetic location: 19q13.33.
Variant type: single nucleotide variant.
Coding change: c.574C>T on transcript NM_030973.4 (MANE Select); coding-DNA position 574, C replaced by T.
Protein change: p.Arg192Trp; replaces arginine 192 with tryptophan.
Molecular consequence: missense variant.
Genome position (GRCh38, 1-based): chr19:49,829,834, C>T. VCF-style: chr19-49829834-C-T. GRCh37 (hg19) VCF-style: chr19-50333091-C-T.
Other names: c.574C>T, p.Arg192Trp (NM_001378355.1); short protein forms R192W.
Identifiers: ClinVar variation 839297 (VCV000839297.8), dbSNP rs201157765, ClinGen allele CA9584918.
Genomic context (GRCh38, chr19:49,829,834, plus strand): 5'-CCTCTCCTACAGCGGGGGATCCACTTCTCCATTGTGTCTCCCCGGAAGCTGCCTGCGCTT[C>T]GGCTTCTGTTTGAGAAGGCAGCCCCCCCGGCCTTGCTGGAGCCGCTGCAGCCTCCGACAG-3'
Protein context (NP_112235.2, residues 182-202): IVSPRKLPAL[Arg192Trp]LLFEKAAPPA